The following is an entry in ClinVar:

ClinVar aggregate classification (germline): Conflicting classifications of pathogenicity. Review status: criteria provided, conflicting classifications (1 of 4 stars). 3 submissions from 3 submitters: Uncertain significance (2); Likely benign (1). Last evaluated 2025-08-26.

Conditions:
Arrhythmogenic right ventricular dysplasia 8 (ARVD8). Also called: ARRHYTHMOGENIC RIGHT VENTRICULAR DYSPLASIA, FAMILIAL, 8; Arrhythmogenic Right Ventricular Dysplasia/Cardiomyopathy 8; ARRHYTHMOGENIC RIGHT VENTRICULAR CARDIOMYOPATHY 8. Identifiers: MedGen C1843896, MONDO:0011831, OMIM 607450.
Arrhythmogenic cardiomyopathy with wooly hair and keratoderma. Also called: Arrhythmogenic cardiomyopathy with woolly hair and keratoderma; PALMOPLANTAR KERATODERMA WITH LEFT VENTRICULAR CARDIOMYOPATHY AND WOOLLY HAIR; Dilated cardiomyopathy with woolly hair and keratoderma; Carvajal syndrome. Identifiers: Orphanet 65282, MedGen C1854063, MONDO:0011581, OMIM 605676.
Cardiomyopathy (CMYO). Also called: Cardiomyopathies. Identifiers: Orphanet 167848, MedGen C0878544, MONDO:0004994, HP:0001638. Inheritance: Various modes of inheritance.
Hypertrophic cardiomyopathy. Also called: HYPERTROPHIC MYOCARDIOPATHY. Identifiers: Orphanet 217569, MedGen C0007194, MeSH D002312, MONDO:0005045, HP:0001639.

Allele frequency attached by ClinVar (database versions not stated): gnomAD exomes below 0.00001; TOPMed 0.00001.
gnomAD v4.1: 2 of 1,614,252 alleles (0.00012%); highest among the groups gnomAD compares: Middle Eastern, 0.033%; no homozygotes.

Submissions (3):

Color Diagnostics, LLC DBA Color Health
Classification: Uncertain significance for Cardiomyopathy. Last evaluated: 2025-08-26. Review status: criteria provided, single submitter. Criteria: ACMG Guidelines, 2015. Collection method: clinical testing. Allele origin: germline.
Comment: This missense variant replaces threonine with alanine at codon 70 of the DSP protein. Computational prediction suggests that this variant may not impact protein structure and function. To our knowledge, functional studies have not been reported for this variant. This variant has not been reported in individuals affected with DSP-related disorders in the literature. This variant has been identified in 1/251388 chromosomes in the general population by the Genome Aggregation Database (gnomAD). The available evidence is insufficient to determine the role of this variant in disease conclusively. Therefore, this variant is classified as a Variant of Uncertain Significance.

Labcorp Genetics (formerly Invitae), Labcorp
Classification: Likely benign for Arrhythmogenic cardiomyopathy with wooly hair and keratoderma; Arrhythmogenic right ventricular dysplasia 8. Last evaluated: 2024-10-30. Review status: criteria provided, single submitter. Criteria: Invitae Variant Classification Sherloc (09022015). Collection method: clinical testing. Allele origin: germline.

Clinical Molecular Genetics Laboratory, Johns Hopkins All Children's Hospital
Classification: Uncertain significance for Hypertrophic cardiomyopathy. Last evaluated: 2020-01-13. Review status: criteria provided, single submitter. Criteria: ACMG Guidelines, 2015. Collection method: clinical testing. Allele origin: germline. Inheritance: Autosomal dominant inheritance. Affected: yes. Observed: 1 heterozygote.

NM_004415.4(DSP):c.208A>G (p.Thr70Ala)

Gene: DSP (desmoplakin; plus strand). Cytogenetic location: 6p24.3.
Variant type: single nucleotide variant.
Coding change: c.208A>G on transcript NM_004415.4 (MANE Select); coding-DNA position 208, A replaced by G.
Protein change: p.Thr70Ala; replaces threonine 70 with alanine.
Molecular consequence: missense variant.
Genome position (GRCh38, 1-based): chr6:7,555,755, A>G. VCF-style: chr6-7555755-A-G. GRCh37 (hg19) VCF-style: chr6-7555988-A-G.
Other names: c.208A>G, p.Thr70Ala (NM_001008844.3, NM_001319034.2); short protein forms T70A.
Identifiers: ClinVar variation 804374 (VCV000804374.5), dbSNP rs1442496444, ClinGen allele CA362670730.